The following is an entry in ClinVar:

ClinVar aggregate classification (germline): Uncertain significance (1 of 4 stars; one submission).

Conditions:
Distal myopathy with posterior leg and anterior hand involvement. Also called: WILLIAMS DISTAL MYOPATHY. Identifiers: Orphanet 63273, MedGen C3279722, MONDO:0013550, OMIM 614065.
Hypertrophic cardiomyopathy 26. Also called: Cardiomyopathy, familial hypertrophic, 26. Identifiers: Orphanet 75249, MedGen C4310749, MONDO:0014883, OMIM 617047.
Myofibrillar myopathy 5. Also called: Filaminopathy (type); FILAMINOPATHY, AUTOSOMAL DOMINANT. Identifiers: Orphanet 171445, MedGen C1836050, MONDO:0012289, OMIM 609524.

Submission:

Labcorp Genetics (formerly Invitae), Labcorp
Classification: Uncertain significance for Distal myopathy with posterior leg and anterior hand involvement; Myofibrillar myopathy 5; Hypertrophic cardiomyopathy 26. Last evaluated: 2021-08-04. Review status: criteria provided, single submitter. Criteria: Invitae Variant Classification Sherloc (09022015). Collection method: clinical testing. Allele origin: germline.
Comment: In summary, the available evidence is currently insufficient to determine the role of this variant in disease. Therefore, it has been classified as a Variant of Uncertain Significance. Variants that disrupt the consensus splice site are a relatively common cause of aberrant splicing (PMID: 17576681, 9536098). Algorithms developed to predict the effect of sequence changes on RNA splicing suggest that this variant may disrupt the consensus splice site. This variant has not been reported in the literature in individuals affected with FLNC-related conditions. This variant is not present in population databases (ExAC no frequency). This sequence change falls in intron 10 of the FLNC gene. It does not directly change the encoded amino acid sequence of the FLNC protein. It affects a nucleotide within the consensus splice site of the intron.

Literature cited by the submitters: PubMed 17576681; PubMed 9536098.

NM_001458.5(FLNC):c.1676+2dup

Gene: FLNC (filamin C; plus strand). Cytogenetic location: 7q32.1.
Variant type: Duplication.
Coding change: c.1676+2dup on transcript NM_001458.5 (MANE Select); the canonical splice donor site of the intron after coding-DNA position 1676, one base duplicated (T; older notation c.1676+2dupT).
Molecular consequence: splice donor variant.
Genome position (GRCh38, 1-based): chr7:128,840,676, T duplicated. VCF-style (leftmost placement, unchanged base first): chr7-128840675-G-GT. GRCh37 (hg19) VCF-style: chr7-128480729-G-GT.
Other names: c.1676+2dup (NM_001127487.2).
Identifiers: ClinVar variation 1409341 (VCV001409341.6), dbSNP rs2128935058, ClinGen allele CA2573141704.